The following is an entry in ClinVar:

ClinVar aggregate classification (germline): Conflicting classifications of pathogenicity. Review status: criteria provided, conflicting classifications (1 of 4 stars). 6 submissions from 5 submitters: Likely pathogenic (4); Uncertain risk allele (2). Last evaluated 2024-10-07.

Conditions:
Hyperinsulinemic hypoglycemia, familial, 1 (HHF1). Also called: HYPERINSULINISM, FAMILIAL, WITH PANCREATIC NESIDIOBLASTOSIS; HYPOGLYCEMIA, HYPERINSULINEMIC, OF INFANCY; NESIDIOBLASTOSIS OF PANCREAS; Persistent hyperinsulinemic hypoglycemia of infancy; Persistent Hyperinsulinemia Hypoglycemia of Infancy. Identifiers: Orphanet 276575, Orphanet 276598, MedGen C2931832, MONDO:0009734, OMIM 256450.
Type 2 diabetes mellitus. Also called: Type II diabetes mellitus. Identifiers: MedGen C0011860, MeSH D003924, MONDO:0005148, OMIM 125853, HP:0005978.
Hereditary hyperinsulinism.
Neonatal diabetes mellitus (NDM). Identifiers: Orphanet 224, MedGen C0158981, MONDO:0016391.

Submissions (6):

Natera, Inc.
Classification: Likely pathogenic for Hereditary hyperinsulinism. Last evaluated: 2024-10-07. Review status: criteria provided, single submitter. Criteria: Natera Variant Classification Schema (03/2026). Collection method: clinical testing. Allele origin: germline.
Comment: The c.2169_2171del variant in ABCC8 is an in-frame deletion predicted to remove leucine at amino acid 724 while preserving the reading frame. This variant is rare in the general population with a frequency below the threshold expected for the associated phenotype(s). This variant has been observed in one or more individuals affected with the associated recessive disease, as either homozygous or compound heterozygous with a second variant (PMID: 31208162). This variant has been identified in one or more affected individual with a phenotype highly consistent with the associated gene (PMID: 31208162). Computational prediction algorithms indicate this variant is likely to affect gene or protein function. Given the available evidence, this variant is classified as Likely Pathogenic.

Clinical Genomics, Uppaluri K&H Personalized Medicine Clinic
Classification: Uncertain risk allele for Hyperinsulinemic hypoglycemia, familial, 1. Last evaluated: 2024-05-27. Review status: criteria provided, single submitter. Criteria: K And H Uppaluri Personalized Medicine Clinic Variant Classification And Assertion Criteria Updated V 2. Collection method: research. Allele origin: unknown.
Comment: This variant is found to be a potent moderate impact, with a CADD score of 6.23 and sufficient scientific evidence to support gene-disease correlation. This is found more frequently in congenital Hyperinsulinism cases as per recent evidence as well. However, since this is not a high impact variant and has limited evidence, this variant is reclassified as Uncertain risk allele only.

Clinical Genomics, Uppaluri K&H Personalized Medicine Clinic
Classification: Uncertain risk allele for Neonatal diabetes mellitus. Last evaluated: 2024-05-27. Review status: criteria provided, single submitter. Criteria: K And H Uppaluri Personalized Medicine Clinic Variant Classification And Assertion Criteria Updated V 2. Collection method: research. Allele origin: unknown.
Comment: This variant is found to be a potent moderate impact, variant with a CADD score of 6.32 and sufficient scientific evidence of gene-disease correlation. However, since this is not a high impact variant and no variant evidence, this variant is reclassified as Uncertain risk allele.

Baylor Genetics
Classification: Likely pathogenic for Type 2 diabetes mellitus. Last evaluated: 2022-10-20. Review status: criteria provided, single submitter. Criteria: ACMG Guidelines, 2015. Collection method: clinical testing. Allele origin: unknown.

3billion
Classification: Likely pathogenic for Hyperinsulinemic hypoglycemia, familial, 1. Last evaluated: 2022-09-01. Review status: criteria provided, single submitter. Criteria: ACMG Guidelines, 2015. Collection method: clinical testing. Allele origin: germline. Affected: yes. Observed: 1 heterozygote.
Comment: The variant is observed at an extremely low frequency in the gnomAD v2.1.1 dataset (total allele frequency: <0.001%). Inframe deletion located in a nonrepeat region is predicted to change the length of the protein and disrupt normal protein function. The variant has been reported to be in trans with a pathogenic variant as either compound heterozygous or homozygous in at least one similarly affected unrelated individual (PMID: 31208162). The variant has been reported to be associated with ABCC8-related disorder (ClinVar ID: VCV001048785 / PMID: 23275527). Therefore, this variant is classified as Likely pathogenic according to the recommendation of ACMG/AMP guideline.

NxGen MDx
Classification: Likely pathogenic for Hyperinsulinemic hypoglycemia, familial, 1. Last evaluated: 2020-01-27. Review status: criteria provided, single submitter. Criteria: ACMG Guidelines, 2015. Collection method: clinical testing. Allele origin: unknown.
Comment: This in-frame deletion (c.2169_2171del) in ABCC8 results in the loss of 1 of 3 repeated leucine residues (p.Leu724del) in the ABC transporter 1 domain (PM1). This variant has a very low allele frequency in gnomAD exomes (PM2) and has been reported by Mohnike et al. PMID 24401662 in one patient with preterm birth and diffuse histology, requiring a pancreatectomy. The authors also used two in silico models to predict this variant as pathogenic (PP3). This variant was also reported in Xu et al. PMID 31208162 in conjunction with a frameshift (c.817del , p.Gln273Argfsx85 ) in a neonate affected with congenital hyperinsulinism(CHI) . We interpret c.2169_2171del to be likely pathogenic.

Literature cited by the submitters: PubMed 31208162 (cited by 4 submitters); PubMed 32376986 (cited by Clinical Genomics, Uppaluri K&H Personalized Medicine Clinic); PubMed 20922570 (cited by Clinical Genomics, Uppaluri K&H Personalized Medicine Clinic); PubMed 17389331 (cited by Clinical Genomics, Uppaluri K&H Personalized Medicine Clinic); PubMed 17919176 (cited by Clinical Genomics, Uppaluri K&H Personalized Medicine Clinic); PubMed 21738553 (cited by Clinical Genomics, Uppaluri K&H Personalized Medicine Clinic); PubMed 33013711 (cited by Clinical Genomics, Uppaluri K&H Personalized Medicine Clinic); PubMed 23275527 (cited by 3billion); PubMed 24401662 (cited by NxGen MDx).

NM_000352.6(ABCC8):c.2169_2171del (p.Leu724del)

Gene: ABCC8 (ATP binding cassette subfamily C member 8; minus strand). Cytogenetic location: 11p15.1.
Variant type: Deletion.
Coding change: c.2169_2171del on transcript NM_000352.6 (MANE Select); coding-DNA positions 2169 to 2171, 3 bases deleted (TCT; older notation c.2169_2171delTCT).
Protein change: p.Leu724del; deletes leucine 724.
Molecular consequence: inframe deletion. On other transcripts: non-coding transcript variant (1).
Genome position (GRCh38, 1-based): chr11:17,427,100-17,427,102, AGA deleted on the plus strand (TCT on the coding strand, the reverse complement: ABCC8 is on the minus strand); deleting any 3 consecutive bases within chr11:17,427,100-17,427,104 gives the same sequence; the c. name uses the placement nearest the transcript's 3' end. VCF-style (leftmost placement, unchanged base first): chr11-17427099-TAGA-T. GRCh37 (hg19) VCF-style: chr11-17448646-TAGA-T.
Other names: c.2169_2171del (NM_000352.4); c.2169_2171del, p.Leu724del (NM_001287174.3); c.2235_2237del, p.Leu746del (NM_001351295.2); c.2166_2168del, p.Leu723del (NM_001351296.2, NM_001351297.2); short protein forms L723del, L724del, L746del.
Identifiers: ClinVar variation 1048785 (VCV001048785.6), dbSNP rs760520781, ClinGen allele CA5903285.